The following is an entry in ClinVar:

NM_024740.2(ALG9):c.1469A>T (p.Asp490Val)

Gene: ALG9 (ALG9 alpha-1,2-mannosyltransferase; minus strand). Cytogenetic location: 11q23.1.
Variant type: single nucleotide variant.
Coding change: c.1469A>T on transcript NM_024740.2 (MANE Select); coding-DNA position 1469, A replaced by T.
Protein change: p.Asp490Val; replaces aspartic acid 490 with valine.
Molecular consequence: missense variant. On other transcripts: non-coding transcript variant (1).
Genome position (GRCh38, 1-based): chr11:111,837,471, T>A on the plus strand (A>T on the coding strand, the complement: ALG9 is on the minus strand). VCF-style: chr11-111837471-T-A. GRCh37 (hg19) VCF-style: chr11-111708194-T-A.
Other names: c.1448A>T, p.Asp483Val (NM_001077690.1, NM_001352417.1); c.956A>T, p.Asp319Val (NM_001077691.2, NM_001352413.1, NM_001352414.2 and 1 more transcripts); c.935A>T, p.Asp312Val (NM_001077692.2, NM_001352409.1, NM_001352410.1 and 6 more transcripts); c.1325A>T, p.Asp442Val (NM_001352418.1); c.860A>T, p.Asp287Val (NM_001352422.2); c.812A>T, p.Asp271Val (NM_001352423.2); short protein forms D271V, D312V, D442V, D483V, D287V, D319V, D490V.
Identifiers: ClinVar variation 2083065 (VCV002083065.2), dbSNP rs782435446, ClinGen allele CA6274420.

ClinVar aggregate classification (germline): Uncertain significance (1 of 4 stars; one submission).

Conditions:
ALG9 congenital disorder of glycosylation (CDG1L). Also called: ALG9-CDG; CDG Il; CONGENITAL DISORDER OF GLYCOSYLATION, TYPE Il. Identifiers: Orphanet 79328, MedGen C2931006, MONDO:0012117, OMIM 608776.

Allele frequency attached by ClinVar (database versions not stated): TOPMed 0.00001.
gnomAD v4.1: 6 of 1,614,112 alleles (0.00037%); highest among the groups gnomAD compares: Admixed American, 0.01%; no homozygotes.

Submission:

Labcorp Genetics (formerly Invitae), Labcorp
Classification: Uncertain significance for ALG9 congenital disorder of glycosylation. Last evaluated: 2022-07-01. Review status: criteria provided, single submitter. Criteria: Invitae Variant Classification Sherloc (09022015). Collection method: clinical testing. Allele origin: germline.
Comment: In summary, the available evidence is currently insufficient to determine the role of this variant in disease. Therefore, it has been classified as a Variant of Uncertain Significance. Experimental studies and prediction algorithms are not available or were not evaluated, and the functional significance of this variant is currently unknown. This variant has not been reported in the literature in individuals affected with ALG9-related conditions. This variant is present in population databases (rs782435446, gnomAD 0.02%). This sequence change replaces aspartic acid, which is acidic and polar, with valine, which is neutral and non-polar, at codon 490 of the ALG9 protein (p.Asp490Val).